The following is an entry in ClinVar:

NM_022455.5(NSD1):c.3796+1_3796+6del

Gene: NSD1 (nuclear receptor binding SET domain protein 1; plus strand). Cytogenetic location: 5q35.3.
Variant type: Deletion.
Coding change: c.3796+1_3796+6del on transcript NM_022455.5 (MANE Select); the canonical splice donor site of the intron after coding-DNA position 3796 through 6 bases into the intron after coding-DNA position 3796, 6 bases deleted (GTAAGG; older notation c.3796+1_3796+6delGTAAGG).
Molecular consequence: splice donor variant.
Genome position (GRCh38, 1-based): chr5:177,212,196-177,212,201, GTAAGG deleted; deleting any 6 consecutive bases within chr5:177,212,195-177,212,201 gives the same sequence; the c. name uses the placement nearest the transcript's 3' end. VCF-style (leftmost placement, unchanged base first): chr5-177212194-AGGTAAG-A. GRCh37 (hg19) VCF-style: chr5-176639195-AGGTAAG-A.
Other names: c.3796+1_3796+6del (NM_001409301.1, NM_001409302.1, NM_001409303.1); c.3376+1_3376+6del (NM_001409304.1); c.3043+1_3043+6del (NM_001409305.1); c.2923+1_2923+6del (NM_001409306.1, NM_001409308.1, NM_001409307.1 and 3 more transcripts).
Identifiers: ClinVar variation 2500307 (VCV002500307.2), dbSNP rs2480469743, ClinGen allele CA2580074145.

ClinVar aggregate classification (germline): Pathogenic (1 of 4 stars; one submission).

Conditions:
Sotos syndrome (SOTOS). Also called: SOTOS SYNDROME 1; Sotos' syndrome; Distinctive facial appearance, overgrowth in childhood, and learning disabilities or delayed development; CEREBRAL GIGANTISM; CHROMOSOME 5q35 DELETION SYNDROME. Identifiers: Orphanet 821, MedGen C0175695, MONDO:0019349, OMIM 117550.

Submission:

Institute of Human Genetics, University of Leipzig Medical Center
Classification: Pathogenic for Sotos syndrome. Last evaluated: 2023-03-22. Review status: criteria provided, single submitter. Criteria: ACMG Guidelines, 2015. Collection method: clinical testing. Allele origin: de novo. Affected: yes.
Comment: This variant was identified as de novo (maternity and paternity confirmed)._x000D_ Criteria applied: PVS1, PS2_MOD, PM2_SUP